The following is an entry in ClinVar:

NM_173660.5(DOK7):c.1058C>T (p.Ser353Leu)

Gene: DOK7 (docking protein 7; plus strand). Cytogenetic location: 4p16.3.
Variant type: single nucleotide variant.
Coding change: c.1058C>T on transcript NM_173660.5 (MANE Select); coding-DNA position 1058, C replaced by T.
Protein change: p.Ser353Leu; replaces serine 353 with leucine.
Molecular consequence: missense variant. On other transcripts: 3 prime UTR variant (1).
Genome position (GRCh38, 1-based): chr4:3,493,044, C>T. VCF-style: chr4-3493044-C-T. GRCh37 (hg19) VCF-style: chr4-3494771-C-T.
Other names: c.*279C>T (NM_001164673.2); c.128C>T, p.Ser43Leu (NM_001256896.2); c.1058C>T, p.Ser353Leu (NM_001301071.2); c.626C>T, p.Ser209Leu (NM_001363811.2); short protein forms S209L, S353L, S43L.
Identifiers: ClinVar variation 1001524 (VCV001001524.10), dbSNP rs757019137, ClinGen allele CA2829340.
Genomic context (GRCh38, chr4:3,493,044, plus strand): 5'-AGAGCTCCTCGGACAGCGGCATCGCCACTGGCAGCCACTCCTCTTACTCCAGCAGCCTCT[C>T]GTCCTACGCGGGCAGCAGCCTGGACGTGTGGCGGGCCACAGATGAACTGGGCTCACTGCT-3'
Protein context (NP_775931.3, residues 343-363): GSHSSYSSSL[Ser353Leu]SYAGSSLDVW

ClinVar aggregate classification (germline): Uncertain significance. Review status: criteria provided, multiple submitters, no conflicts (2 of 4 stars). 3 submissions from 3 submitters: Uncertain significance (3). Last evaluated 2024-12-05.

Conditions:
Congenital myasthenic syndrome 10. Also called: Myasthenia, limb-girdle, familial. Identifiers: Orphanet 590, MedGen C1850792, MONDO:0009690, OMIM 254300.
Fetal akinesia deformation sequence 3. Identifiers: MedGen C4760599, MONDO:0100103, OMIM 618389.
Fetal akinesia deformation sequence 1 (FADS1). Also called: Fetal akinesia sequence; Pena-Shokeir syndrome type I. Identifiers: Orphanet 994, MedGen C1276035, MONDO:0100101, OMIM 208150, HP:0001989.

Allele frequency attached by ClinVar (database versions not stated): gnomAD 0.00001 and 0.00002; TOPMed 0.00003; ExAC 0.00008.

Submissions (3):

Labcorp Genetics (formerly Invitae), Labcorp
Classification: Uncertain significance for Congenital myasthenic syndrome 10; Fetal akinesia deformation sequence 1. Last evaluated: 2024-12-05. Review status: criteria provided, single submitter. Criteria: Invitae Variant Classification Sherloc (09022015). Collection method: clinical testing. Allele origin: germline.
Comment: This sequence change replaces serine, which is neutral and polar, with leucine, which is neutral and non-polar, at codon 353 of the DOK7 protein (p.Ser353Leu). This variant is present in population databases (rs757019137, gnomAD 0.05%). This variant has not been reported in the literature in individuals affected with DOK7-related conditions. ClinVar contains an entry for this variant (Variation ID: 1001524). Invitae Evidence Modeling of protein sequence and biophysical properties (such as structural, functional, and spatial information, amino acid conservation, physicochemical variation, residue mobility, and thermodynamic stability) indicates that this missense variant is expected to disrupt DOK7 protein function with a positive predictive value of 80%. In summary, the available evidence is currently insufficient to determine the role of this variant in disease. Therefore, it has been classified as a Variant of Uncertain Significance.

Revvity Omics, Revvity
Classification: Uncertain significance. Last evaluated: 2023-12-19. Review status: criteria provided, single submitter. Criteria: ACMG Guidelines, 2015. Collection method: clinical testing. Allele origin: germline.

Fulgent Genetics
Classification: Uncertain significance for Congenital myasthenic syndrome 10; Fetal akinesia deformation sequence 3. Last evaluated: 2022-01-08. Review status: criteria provided, single submitter. Criteria: ACMG Guidelines, 2015. Collection method: clinical testing. Allele origin: unknown.